The following is an entry in ClinVar:

NM_001103.4(ACTN2):c.1789A>C (p.Asn597His)

Gene: ACTN2 (actinin alpha 2; plus strand). Cytogenetic location: 1q43.
Variant type: single nucleotide variant.
Coding change: c.1789A>C on transcript NM_001103.4 (MANE Select); coding-DNA position 1789, A replaced by C.
Protein change: p.Asn597His; replaces asparagine 597 with histidine.
Molecular consequence: missense variant.
Genome position (GRCh38, 1-based): chr1:236,751,602, A>C. VCF-style: chr1-236751602-A-C. GRCh37 (hg19) VCF-style: chr1-236914902-A-C.
Other names: c.1789A>C (NM_001103.2); c.1789A>C, p.Asn597His (NM_001278343.2); c.1165A>C, p.Asn389His (NM_001278344.2); short protein forms N597H, N389H.
Identifiers: ClinVar variation 806391 (VCV000806391.54), dbSNP rs1262131275, ClinGen allele CA345386210.
Genomic context (GRCh38, chr1:236,751,602, plus strand): 5'-GCCATCCAGAACGAGGTGGAGAAGGTGATTCAGAGCTACAACATCAGAATCAGCTCAAGC[A>C]ACCCGTACAGCACTGTCACCATGGATGAGCTCCGGACCAAGTGGGACAAGGTGGGTGGCT-3'
Protein context (NP_001094.1, residues 587-607): QSYNIRISSS[Asn597His]PYSTVTMDEL

ClinVar aggregate classification (germline): Uncertain significance. Review status: criteria provided, multiple submitters, no conflicts (2 of 4 stars). 5 submissions from 5 submitters: Uncertain significance (5). Last evaluated 2025-11-02.

Conditions:
Cardiovascular phenotype. Identifiers: MedGen CN230736.
Primary familial hypertrophic cardiomyopathy (HCM). Identifiers: Orphanet 99739, MedGen C0949658, MeSH D024741, MONDO:0024573. Inheritance: Various modes of inheritance.
Dilated cardiomyopathy 1AA (CMD1AA). Also called: Cardiomyopathy, dilated, 1AA, with or without LVNC; CARDIOMYOPATHY, DILATED, 1AA, WITH OR WITHOUT LEFT VENTRICULAR NONCOMPACTION; CARDIOMYOPATHY, FAMILIAL HYPERTROPHIC, 23, WITH OR WITHOUT LEFT VENTRICULAR NONCOMPACTION. Identifiers: Orphanet 154, MedGen C2677338, MONDO:0012808, OMIM 612158.

Allele frequency attached by ClinVar (database versions not stated): gnomAD 0.00001; gnomAD exomes 0.00001.
gnomAD v4.1: 5 of 1,613,920 alleles (0.00031%); highest among the groups gnomAD compares: Admixed American, 0.0033%; no homozygotes.

Submissions (5):

Labcorp Genetics (formerly Invitae), Labcorp
Classification: Uncertain significance for Primary familial hypertrophic cardiomyopathy; Dilated cardiomyopathy 1AA. Last evaluated: 2025-11-02. Review status: criteria provided, single submitter. Criteria: Invitae Variant Classification Sherloc (09022015). Collection method: clinical testing. Allele origin: germline.
Comment: This sequence change replaces asparagine, which is neutral and polar, with histidine, which is basic and polar, at codon 597 of the ACTN2 protein (p.Asn597His). This variant is present in population databases (no rsID available, gnomAD 0.0009%). This variant has not been reported in the literature in individuals affected with ACTN2-related conditions. ClinVar contains an entry for this variant (Variation ID: 806391). Invitae Evidence Modeling of protein sequence and biophysical properties (such as structural, functional, and spatial information, amino acid conservation, physicochemical variation, residue mobility, and thermodynamic stability) indicates that this missense variant is expected to disrupt ACTN2 protein function with a positive predictive value of 80%. In summary, the available evidence is currently insufficient to determine the role of this variant in disease. Therefore, it has been classified as a Variant of Uncertain Significance.

Ambry Genetics
Classification: Uncertain significance for Cardiovascular phenotype. Last evaluated: 2024-01-03. Review status: criteria provided, single submitter. Criteria: Ambry Variant Classification Scheme 2023. Collection method: clinical testing. Allele origin: germline.

Blueprint Genetics
Classification: Uncertain significance. Last evaluated: 2020-10-14. Review status: criteria provided, single submitter. Criteria: ACMG Guidelines, 2015. Collection method: clinical testing. Allele origin: germline.

GeneDx
Classification: Uncertain significance. Last evaluated: 2019-11-06. Review status: criteria provided, single submitter. Criteria: GeneDx Variant Classification Process June 2021. Collection method: clinical testing. Allele origin: germline. Affected: yes.
Comment: Has not been previously published as pathogenic or benign to our knowledge; Not observed at a significant frequency in large population cohorts (Lek et al., 2016); In silico analysis, which includes protein predictors and evolutionary conservation, supports a deleterious effect

CeGaT Center for Human Genetics Tuebingen
Classification: Uncertain significance. Last evaluated: 2019-03-01. Review status: criteria provided, single submitter. Criteria: CeGaT Center For Human Genetics Tuebingen Variant Classification Criteria Version 2. Collection method: clinical testing. Allele origin: germline. Affected: yes. Observed: 1 variant allele.